The following is an entry in ClinVar:

ClinVar aggregate classification (germline): Uncertain significance (1 of 4 stars; one submission).

Conditions:
Nemaline myopathy 2 (NEM2). Also called: Nemaline myopathy 2, autosomal recessive. Identifiers: MedGen C1850569, MONDO:0009725, OMIM 256030.

Allele frequency attached by ClinVar (database versions not stated): gnomAD exomes below 0.00001; TOPMed below 0.00001; gnomAD 0.00001.
gnomAD v4.1: 2 of 1,609,164 alleles (0.00012%); highest among the groups gnomAD compares: Non-Finnish European, 0.00017%; no homozygotes.

Submission:

Labcorp Genetics (formerly Invitae), Labcorp
Classification: Uncertain significance for Nemaline myopathy 2. Last evaluated: 2022-07-12. Review status: criteria provided, single submitter. Criteria: Invitae Variant Classification Sherloc (09022015). Collection method: clinical testing. Allele origin: germline.
Comment: This sequence change replaces serine, which is neutral and polar, with alanine, which is neutral and non-polar, at codon 3965 of the NEB protein (p.Ser3965Ala). This variant is present in population databases (no rsID available, gnomAD 0.0009%). This variant has not been reported in the literature in individuals affected with NEB-related conditions. ClinVar contains an entry for this variant (Variation ID: 852111). Algorithms developed to predict the effect of missense changes on protein structure and function are either unavailable or do not agree on the potential impact of this missense change (SIFT: "Deleterious"; PolyPhen-2: "Not Available"; Align-GVGD: "Class C0"). In summary, the available evidence is currently insufficient to determine the role of this variant in disease. Therefore, it has been classified as a Variant of Uncertain Significance.

NM_001164508.2(NEB):c.11893T>G (p.Ser3965Ala)

Gene: NEB (nebulin; minus strand). Cytogenetic location: 2q23.3.
Variant type: single nucleotide variant.
Coding change: c.11893T>G on transcript NM_001164508.2 (MANE Select); coding-DNA position 11893, T replaced by G.
Protein change: p.Ser3965Ala; replaces serine 3965 with alanine.
Molecular consequence: missense variant.
Genome position (GRCh38, 1-based): chr2:151,610,779, A>C on the plus strand (T>G on the coding strand, the complement: NEB is on the minus strand). VCF-style: chr2-151610779-A-C. GRCh37 (hg19) VCF-style: chr2-152467293-A-C.
Other names: c.11893T>G, p.Ser3965Ala (NM_001164507.2, NM_001271208.2); c.11164T>G, p.Ser3722Ala (NM_004543.5); short protein forms S3965A, S3722A.
Identifiers: ClinVar variation 852111 (VCV000852111.3), dbSNP rs1397887930, ClinGen allele CA348779522.
Genomic context (GRCh38, chr2:151,610,779, plus strand): 5'-TTAATTAATCTTAGGTTTAAGCAACAATCAGGAAATCTCTTACTTGGCTGATATTGGCAG[A>C]ATTACTCTTGGCCAGCAGGATATCTGGGGTGTCTGGCATCACGTGGATGGAGGTTTTGTC-3'
Protein context (NP_001157980.2, residues 3955-3975): TPDILLAKSN[Ser3965Ala]ANISQKLYTK